The following is an entry in ClinVar:

ClinVar aggregate classification (germline): Uncertain significance (1 of 4 stars; one submission).

Conditions:
Hereditary cancer-predisposing syndrome. Also called: Neoplastic Syndromes, Hereditary; Tumor predisposition; Hereditary Cancer Syndrome; Hereditary neoplastic syndrome. Identifiers: Orphanet 140162, MedGen C0027672, MeSH D009386, MONDO:0015356.

Submission:

Ambry Genetics
Classification: Uncertain significance for Hereditary cancer-predisposing syndrome. Last evaluated: 2026-04-13. Review status: criteria provided, single submitter. Criteria: Ambry Variant Classification Scheme 2023. Collection method: clinical testing. Allele origin: germline.
Comment: The p.P155T variant (also known as c.463C>A), located in coding exon 3 of the KIT gene, results from a C to A substitution at nucleotide position 463. The proline at codon 155 is replaced by threonine, an amino acid with highly similar properties. This amino acid position is not well conserved in available vertebrate species. In addition, this alteration is predicted to be tolerated by in silico analysis. Based on the available evidence, the clinical significance of this variant remains unclear.

NM_000222.3(KIT):c.463C>A (p.Pro155Thr)

Gene: KIT (KIT proto-oncogene, receptor tyrosine kinase; plus strand). Cytogenetic location: 4q12.
Variant type: single nucleotide variant.
Coding change: c.463C>A on transcript NM_000222.3 (MANE Select); coding-DNA position 463, C replaced by A.
Protein change: p.Pro155Thr; replaces proline 155 with threonine.
Molecular consequence: missense variant.
Genome position (GRCh38, 1-based): chr4:54,698,409, C>A. VCF-style: chr4-54698409-C-A. GRCh37 (hg19) VCF-style: chr4-55564575-C-A.
Other names: c.463C>A, p.Pro155Thr (NM_001093772.2, NM_001385284.1, NM_001385285.1 and 4 more transcripts); short protein forms P155T.
Identifiers: ClinVar variation 4858919 (VCV004858919.1).